The following is an entry in ClinVar:

NM_000807.4(GABRA2):c.673A>G (p.Ile225Val)

Gene: GABRA2 (gamma-aminobutyric acid type A receptor subunit alpha2; minus strand). Cytogenetic location: 4p12.
Variant type: single nucleotide variant.
Coding change: c.673A>G on transcript NM_000807.4 (MANE Select); coding-DNA position 673, A replaced by G.
Protein change: p.Ile225Val; replaces isoleucine 225 with valine.
Molecular consequence: missense variant.
Genome position (GRCh38, 1-based): chr4:46,305,598, T>C on the plus strand (A>G on the coding strand, the complement: GABRA2 is on the minus strand). VCF-style: chr4-46305598-T-C. GRCh37 (hg19) VCF-style: chr4-46307615-T-C.
Other names: c.673A>G, p.Ile225Val (NM_001114175.3, NM_001330690.2, NM_001377144.1 and 8 more transcripts); c.508A>G, p.Ile170Val (NM_001286827.3, NM_001377152.1, NM_001377153.1 and 1 more transcripts); c.673A>G (NM_001114175.1); short protein forms I170V, I225V.
Identifiers: ClinVar variation 1427141 (VCV001427141.9), dbSNP rs905999861, ClinGen allele CA97085583.

ClinVar aggregate classification (germline): Conflicting classifications of pathogenicity. Review status: criteria provided, conflicting classifications (1 of 4 stars). 2 submissions from 2 submitters: Uncertain significance (1); Likely benign (1). Last evaluated 2025-04-25.

Conditions:
Inborn genetic diseases. Identifiers: MedGen C0950123, MeSH D030342.

Allele frequency attached by ClinVar (database versions not stated): gnomAD 0.00001; gnomAD exomes 0.00001; TOPMed 0.00001.
gnomAD v4.1: 18 of 1,613,806 alleles (0.0011%); highest among the groups gnomAD compares: East Asian, 0.0022%; no homozygotes.

Submissions (2):

Ambry Genetics
Classification: Likely benign for Inborn genetic diseases. Last evaluated: 2025-04-25. Review status: criteria provided, single submitter. Criteria: Ambry Variant Classification Scheme 2023. Collection method: clinical testing. Allele origin: germline.

Labcorp Genetics (formerly Invitae), Labcorp
Classification: Uncertain significance. Last evaluated: 2024-09-17. Review status: criteria provided, single submitter. Criteria: Invitae Variant Classification Sherloc (09022015). Collection method: clinical testing. Allele origin: germline.
Comment: This sequence change replaces isoleucine, which is neutral and non-polar, with valine, which is neutral and non-polar, at codon 225 of the GABRA2 protein (p.Ile225Val). This variant is present in population databases (no rsID available, gnomAD 0.002%). This variant has not been reported in the literature in individuals affected with GABRA2-related conditions. ClinVar contains an entry for this variant (Variation ID: 1427141). An algorithm developed to predict the effect of missense changes on protein structure and function outputs the following: PolyPhen-2: "Benign". The valine amino acid residue is found in multiple mammalian species, which suggests that this missense change does not adversely affect protein function. In summary, the available evidence is currently insufficient to determine the role of this variant in disease. Therefore, it has been classified as a Variant of Uncertain Significance.